The following is an entry in ClinVar:

ClinVar aggregate classification (germline): Likely benign (0 of 4 stars; one submission).

Conditions:
MYO5B-related disorder. Also called: MYO5B-related condition.

Allele frequency attached by ClinVar (database versions not stated): gnomAD 0.00001; gnomAD exomes 0.00001; TOPMed 0.00001; ExAC 0.00002.
gnomAD v4.1: 17 of 1,613,898 alleles (0.0011%); highest among the groups gnomAD compares: East Asian, 0.0022%; no homozygotes.

Submission:

PreventionGenetics, part of Exact Sciences
Classification: Likely benign for MYO5B-related condition. Last evaluated: 2022-04-13. Review status: no assertion criteria provided. Collection method: clinical testing. Allele origin: germline.
Comment: This variant is classified as likely benign based on ACMG/AMP sequence variant interpretation guidelines (Richards et al. 2015 PMID: 25741868, with internal and published modifications).

NM_001080467.3(MYO5B):c.5313+5A>G

Genes: MYO5B (myosin VB; minus strand), SNHG22 (small nucleolar RNA host gene 22; plus strand). Cytogenetic location: 18q21.1.
Variant type: single nucleotide variant.
Coding change: c.5313+5A>G on transcript NM_001080467.3 (MANE Select); 5 bases into the intron after coding-DNA position 5313, A replaced by G.
Molecular consequence: intron variant.
Genome position (GRCh38, 1-based): chr18:49,836,706, T>C on the plus strand (A>G on the coding strand, the complement: MYO5B is on the minus strand). VCF-style: chr18-49836706-T-C. GRCh37 (hg19) VCF-style: chr18-47363076-T-C.
Identifiers: ClinVar variation 3031684 (VCV003031684.2), dbSNP rs748893753, ClinGen allele CA8960098.
Genomic context (GRCh38, chr18:49,836,706, plus strand): 5'-AGACTTGGAATGGACTCAGGGCTTCCTTGGAATACCATGTTGACAGAGGTGCAAAGTGAC[T>C]GTACCTGCTGGGTGCTGAGGGAGGTACACAGGGAGCAGATAGCCTCTGCGTCCTCCTGGG-3'